The following is an entry in ClinVar:

ClinVar aggregate classification (germline): Benign (1 of 4 stars; one submission).

Conditions:
ZNF141-related disorder. Also called: ZNF141-related condition.

gnomAD v4.1: 1,204 of 1,604,776 alleles (0.075%); highest among the groups gnomAD compares: African/African-American, 1.4%; 12 homozygotes.

Submission:

PreventionGenetics, part of Exact Sciences
Classification: Benign for ZNF141-related condition. Last evaluated: 2026-07-07. Review status: criteria provided, single submitter. Criteria: ACMG Guidelines, 2015. Collection method: clinical testing. Allele origin: germline.
Comment: This variant is classified as benign based on ACMG/AMP sequence variant interpretation guidelines (Richards et al. 2015 PMID: 25741868, with internal and published modifications).

NM_003441.4(ZNF141):c.220C>T (p.Pro74Ser)

Gene: ZNF141 (zinc finger protein 141; plus strand). Cytogenetic location: 4p16.3.
Variant type: single nucleotide variant.
Coding change: c.220C>T on transcript NM_003441.4 (MANE Select); coding-DNA position 220, C replaced by T.
Protein change: p.Pro74Ser; replaces proline 74 with serine.
Molecular consequence: missense variant. On other transcripts: intron variant (1).
Genome position (GRCh38, 1-based): chr4:344,424, C>T. VCF-style: chr4-344424-C-T. GRCh37 (hg19) VCF-style: chr4-338213-C-T.
Other names: c.220C>T, p.Pro74Ser (NM_001348278.2, NM_001348279.2, NM_001348280.2); c.-3+6438C>T (NM_001348277.2); short protein forms P74S.
Identifiers: ClinVar variation 4989710 (VCV004989710.1).